The following is an entry in ClinVar:

NM_025233.7(COASY):c.118C>T (p.His40Tyr)

Gene: COASY (Coenzyme A synthase; plus strand). Cytogenetic location: 17q21.2.
Variant type: single nucleotide variant.
Coding change: c.118C>T on transcript NM_025233.7 (MANE Select); coding-DNA position 118, C replaced by T.
Protein change: p.His40Tyr; replaces histidine 40 with tyrosine.
Molecular consequence: missense variant.
Genome position (GRCh38, 1-based): chr17:42,562,740, C>T. VCF-style: chr17-42562740-C-T. GRCh37 (hg19) VCF-style: chr17-40714758-C-T.
Other names: c.118C>T, p.His40Tyr (NM_001042529.3); c.205C>T, p.His69Tyr (NM_001042532.4); c.205C>T (NM_001042532.2); short protein forms H40Y, H69Y.
Identifiers: ClinVar variation 1018770 (VCV001018770.12), dbSNP rs76169050, ClinGen allele CA8577917.

ClinVar aggregate classification (germline): Uncertain significance. Review status: criteria provided, multiple submitters, no conflicts (2 of 4 stars). 4 submissions from 4 submitters: Uncertain significance (4). Last evaluated 2024-09-04.

Conditions:
Pontocerebellar hypoplasia, type 12. Identifiers: Orphanet 611256, MedGen C4748873, MONDO:0032643, OMIM 618266.
Neurodegeneration with brain iron accumulation 6 (NBIA6). Also called: COASY protein-associated neurodegeneration. Identifiers: Orphanet 397725, MedGen C4517377, MONDO:0014290, OMIM 615643.

Allele frequency attached by ClinVar (database versions not stated): gnomAD 0.00001 and 0.00002; TOPMed 0.00003; ExAC 0.00006; gnomAD exomes 0.00007; 1000 Genomes Project 30x 0.00031; 1000 Genomes Project 0.00040.
gnomAD v4.1: 20 of 1,591,750 alleles (0.0013%); highest among the groups gnomAD compares: East Asian, 0.045%; no homozygotes.

Submissions (4):

Ambry Genetics
Classification: Uncertain significance. Last evaluated: 2024-09-04. Review status: criteria provided, single submitter. Criteria: Ambry Variant Classification Scheme 2023. Collection method: clinical testing. Allele origin: germline.

Fulgent Genetics
Classification: Uncertain significance for Neurodegeneration with brain iron accumulation 6; Pontocerebellar hypoplasia, type 12. Last evaluated: 2024-05-24. Review status: criteria provided, single submitter. Criteria: ACMG Guidelines, 2015. Collection method: clinical testing. Allele origin: germline.

Labcorp Genetics (formerly Invitae), Labcorp
Classification: Uncertain significance for Neurodegeneration with brain iron accumulation 6. Last evaluated: 2020-08-11. Review status: criteria provided, single submitter. Criteria: Invitae Variant Classification Sherloc (09022015). Collection method: clinical testing. Allele origin: germline.
Comment: In summary, the available evidence is currently insufficient to determine the role of this variant in disease. Therefore, it has been classified as a Variant of Uncertain Significance. Algorithms developed to predict the effect of missense changes on protein structure and function are either unavailable or do not agree on the potential impact of this missense change (SIFT: "Tolerated"; PolyPhen-2: "Probably Damaging"; Align-GVGD: "Class C0"). This variant has not been reported in the literature in individuals with COASY-related conditions. This variant is present in population databases (rs76169050, ExAC 0.08%). This sequence change replaces histidine with tyrosine at codon 40 of the COASY protein (p.His40Tyr). The histidine residue is moderately conserved and there is a moderate physicochemical difference between histidine and tyrosine.

Breakthrough Genomics
Classification: Uncertain significance. Review status: criteria provided, single submitter. Criteria: ACMG Guidelines, 2015. Collection method: not provided. Allele origin: germline. Inheritance: Autosomal recessive inheritance. Affected: yes.